The following is an entry in ClinVar:

ClinVar aggregate classification (germline): Uncertain significance (1 of 4 stars; one submission).

Submission:

Labcorp Genetics (formerly Invitae), Labcorp
Classification: Uncertain significance. Last evaluated: 2022-01-12. Review status: criteria provided, single submitter. Criteria: Invitae Variant Classification Sherloc (09022015). Collection method: clinical testing. Allele origin: germline.
Comment: This sequence change creates a premature translational stop signal (p.Pro83Glnfs*64) in the GATA5 gene. It is expected to result in an absent or disrupted protein product. However, the current clinical and genetic evidence is not sufficient to establish whether loss-of-function variants in GATA5 cause disease. This variant is not present in population databases (gnomAD no frequency). This variant has not been reported in the literature in individuals affected with GATA5-related conditions. In summary, the available evidence is currently insufficient to determine the role of this variant in disease. Therefore, it has been classified as a Variant of Uncertain Significance.

NM_080473.5(GATA5):c.248del (p.Pro83fs)

Gene: GATA5 (GATA binding protein 5; minus strand). Cytogenetic location: 20q13.33.
Variant type: Deletion.
Coding change: c.248del on transcript NM_080473.5 (MANE Select); coding-DNA position 248, one base deleted (C; older notation c.248delC).
Protein change: p.Pro83fs; shifts the reading frame from proline 83.
Molecular consequence: frameshift variant.
Genome position (GRCh38, 1-based): chr20:62,475,274, G deleted on the plus strand (C on the coding strand, the reverse complement: GATA5 is on the minus strand); the first of 6 consecutive G bases (chr20:62,475,274-62,475,279); deleting any one gives the same sequence. VCF-style (leftmost placement, unchanged base first): chr20-62475273-TG-T. GRCh37 (hg19) VCF-style: chr20-61050329-TG-T.
Other names: short protein forms P83fs.
Identifiers: ClinVar variation 2080572 (VCV002080572.4), dbSNP rs1555897019, ClinGen allele CA636611408.